The following is an entry in ClinVar:

NM_000245.4(MET):c.1991C>T (p.Pro664Leu)

Gene: MET (MET proto-oncogene, receptor tyrosine kinase; plus strand). Cytogenetic location: 7q31.2.
Variant type: single nucleotide variant.
Coding change: c.1991C>T on transcript NM_000245.4 (MANE Select); coding-DNA position 1991, C replaced by T.
Protein change: p.Pro664Leu; replaces proline 664 with leucine.
Molecular consequence: missense variant.
Genome position (GRCh38, 1-based): chr7:116,757,663, C>T. VCF-style: chr7-116757663-C-T. GRCh37 (hg19) VCF-style: chr7-116397717-C-T.
Other names: c.1991C>T, p.Pro664Leu (NM_001127500.3, NM_001324401.3); c.701C>T, p.Pro234Leu (NM_001324402.2); short protein forms P234L, P664L.
Identifiers: ClinVar variation 1318819 (VCV001318819.12), dbSNP rs1367341975, ClinGen allele CA368979667.

ClinVar aggregate classification (germline): Uncertain significance. Review status: criteria provided, multiple submitters, no conflicts (2 of 4 stars). 3 submissions from 3 submitters: Uncertain significance (3). Last evaluated 2025-11-04.

Conditions:
Hereditary cancer-predisposing syndrome. Also called: Hereditary neoplastic syndrome; Neoplastic Syndromes, Hereditary; Tumor predisposition; Hereditary Cancer Syndrome. Identifiers: Orphanet 140162, MedGen C0027672, MeSH D009386, MONDO:0015356.
Renal cell carcinoma. Identifiers: Orphanet 217071, MedGen C0007134, MeSH D002292, MONDO:0005086, HP:0005584.

Allele frequency attached by ClinVar (database versions not stated): gnomAD exomes below 0.00001.
gnomAD v4.1: 4 of 1,613,820 alleles (0.00025%); highest among the groups gnomAD compares: Non-Finnish European, 0.00025%; no homozygotes.

Submissions (3):

Labcorp Genetics (formerly Invitae), Labcorp
Classification: Uncertain significance for Renal cell carcinoma. Last evaluated: 2025-11-04. Review status: criteria provided, single submitter. Criteria: Invitae Variant Classification Sherloc (09022015). Collection method: clinical testing. Allele origin: germline.
Comment: This sequence change replaces proline, which is neutral and non-polar, with leucine, which is neutral and non-polar, at codon 664 of the MET protein (p.Pro664Leu). This variant is present in population databases (no rsID available, gnomAD 0.004%). This variant has not been reported in the literature in individuals affected with MET-related conditions. ClinVar contains an entry for this variant (Variation ID: 1318819). Invitae Evidence Modeling of protein sequence and biophysical properties (such as structural, functional, and spatial information, amino acid conservation, physicochemical variation, residue mobility, and thermodynamic stability) indicates that this missense variant is expected to disrupt MET protein function with a positive predictive value of 80%. In summary, the available evidence is currently insufficient to determine the role of this variant in disease. Therefore, it has been classified as a Variant of Uncertain Significance.

Ambry Genetics
Classification: Uncertain significance for Hereditary cancer-predisposing syndrome. Last evaluated: 2025-05-16. Review status: criteria provided, single submitter. Criteria: Ambry Variant Classification Scheme 2023. Collection method: clinical testing. Allele origin: germline.
Comment: The p.P664L variant (also known as c.1991C>T), located in coding exon 7 of the MET gene, results from a C to T substitution at nucleotide position 1991. The proline at codon 664 is replaced by leucine, an amino acid with similar properties. This amino acid position is highly conserved in available vertebrate species. In addition, this alteration is predicted to be deleterious by in silico analysis. Based on the available evidence, the clinical significance of this variant remains unclear.

GeneDx
Classification: Uncertain significance. Last evaluated: 2019-08-06. Review status: criteria provided, single submitter. Criteria: GeneDx Variant Classification Process June 2021. Collection method: clinical testing. Allele origin: germline. Affected: yes.
Comment: Not observed at a significant frequency in large population cohorts (Lek 2016); In silico analysis, which includes protein predictors and evolutionary conservation, supports a deleterious effect; Has not been previously published as pathogenic or benign to our knowledge